The following is an entry in ClinVar:

ClinVar aggregate classification (germline): Pathogenic/Likely pathogenic. Review status: criteria provided, multiple submitters, no conflicts (2 of 4 stars). 6 submissions from 6 submitters: Pathogenic (4); Likely pathogenic (1). 1 of the submissions does not count toward it. Last evaluated 2026-07-22.

Conditions:
Hereditary cancer-predisposing syndrome. Also called: Neoplastic Syndromes, Hereditary; Tumor predisposition; Hereditary neoplastic syndrome; Hereditary Cancer Syndrome. Identifiers: Orphanet 140162, MedGen C0027672, MeSH D009386, MONDO:0015356.
Hereditary pheochromocytoma and paraganglioma. Also called: Hereditary Paraganglioma-Pheochromocytoma Syndromes; Hereditary paragangliomas and pheochromocytomas; Hereditary pheochromocytoma-paraganglioma. Identifiers: Orphanet 29072, MedGen C4274332, MONDO:0017366.
Pheochromocytoma. Also called: MAX-Related Hereditary Paraganglioma-Pheochromocytoma Syndrome. Identifiers: Orphanet 29072, MedGen C0031511, MONDO:0008233, OMIM 171300, HP:0002666.

Submissions (6):

Myriad Genetics, Inc.
Classification: Pathogenic for Hereditary pheochromocytoma and paraganglioma. Last evaluated: 2026-07-22. Review status: criteria provided, single submitter. Criteria: Myriad Autosomal Dominant, Autosomal Recessive and X-Linked Classification Criteria (2023). Collection method: clinical testing. Allele origin: unknown.
Comment: This variant is considered pathogenic. This variant creates a frameshift predicted to result in premature protein truncation.

Labcorp Genetics (formerly Invitae), Labcorp
Classification: Pathogenic for Hereditary pheochromocytoma and paraganglioma. Last evaluated: 2025-05-14. Review status: criteria provided, single submitter. Criteria: Invitae Variant Classification Sherloc (09022015). Collection method: clinical testing. Allele origin: germline.
Comment: This sequence change creates a premature translational stop signal (p.Thr89Cysfs*34) in the TMEM127 gene. While this is not anticipated to result in nonsense mediated decay, it is expected to disrupt the last 150 amino acid(s) of the TMEM127 protein. This variant is not present in population databases (gnomAD no frequency). This premature translational stop signal has been observed in individual(s) with bilateral pheochromocytoma (PMID: 20154675). This variant is also known as c.264_267delCAGA. ClinVar contains an entry for this variant (Variation ID: 126966). This variant disrupts a region of the TMEM127 protein in which other variant(s) (p.Gln157*) have been determined to be pathogenic (PMID: 22419703; internal data). This suggests that this is a clinically significant region of the protein, and that variants that disrupt it are likely to be disease-causing. For these reasons, this variant has been classified as Pathogenic.

Ambry Genetics
Classification: Pathogenic for Hereditary cancer-predisposing syndrome. Last evaluated: 2025-04-28. Review status: criteria provided, single submitter. Criteria: Ambry Variant Classification Scheme 2023. Collection method: clinical testing. Allele origin: germline.
Comment: The c.265_268delACAG pathogenic mutation, located in coding exon 2 of the TMEM127 gene, results from a deletion of 4 nucleotides at nucleotide positions 265 to 268, causing a translational frameshift with a predicted alternate stop codon (p.T89Cfs*34). This alteration occurs near the 3' terminus of the TMEM127 gene and is not expected to trigger nonsense-mediated mRNA decay; however, this impacts the last 117 amino acids of the protein. This variant has also been seen in individuals with early onset pheochromocytomas and/or features consistent with TMEM127-related hereditary pheochromocytoma-paraganglioma (Internal Ambry data). This variant was not reported in population-based cohorts in the Genome Aggregation Database (gnomAD). Based on the supporting evidence, this alteration is interpreted as a disease-causing mutation.

GeneDx
Classification: Likely pathogenic. Last evaluated: 2024-06-03. Review status: criteria provided, single submitter. Criteria: GeneDx Variant Classification Process June 2021. Collection method: clinical testing. Allele origin: germline. Affected: yes.
Comment: Frameshift variant predicted to result in abnormal protein length as the last 150 amino acids are replaced with 33 different amino acids, and other similar variants have been reported in HGMD; Not observed at significant frequency in large population cohorts (gnomAD); This variant is associated with the following publications: (PMID: 21156949, 20154675)

Baylor Genetics
Classification: Pathogenic for Pheochromocytoma. Last evaluated: 2023-04-27. Review status: criteria provided, single submitter. Criteria: ACMG Guidelines, 2015. Collection method: clinical testing. Allele origin: unknown.

Familial Cancer Clinic, Veneto Institute of Oncology
Classification: Likely pathogenic for Pheochromocytoma. Review status: no assertion criteria provided. Collection method: not provided. Allele origin: germline. Not counted in ClinVar's aggregate classification.
ClinVar note: Converted during submission from likely pathogenic - adrenal bilateral pheochromocy to Likely pathogenic.

Literature cited by the submitters: PubMed 20154675 (cited by Labcorp Genetics (formerly Invitae), Labcorp); PubMed 22419703 (cited by Labcorp Genetics (formerly Invitae), Labcorp); PubMed 21156949 (cited by Ambry Genetics).

NM_017849.4(TMEM127):c.265_268del (p.Thr89fs)

Gene: TMEM127 (transmembrane protein 127; minus strand). Cytogenetic location: 2q11.2.
Variant type: Deletion.
Coding change: c.265_268del on transcript NM_017849.4 (MANE Select); coding-DNA positions 265 to 268, 4 bases deleted (ACAG; older notation c.265_268delACAG).
Protein change: p.Thr89fs; shifts the reading frame from threonine 89.
Molecular consequence: frameshift variant.
Genome position (GRCh38, 1-based): chr2:96,254,974-96,254,977, CTGT deleted on the plus strand (ACAG on the coding strand, the reverse complement: TMEM127 is on the minus strand); deleting any 4 consecutive bases within chr2:96,254,974-96,254,980 gives the same sequence; the c. name uses the placement nearest the transcript's 3' end. VCF-style (leftmost placement, unchanged base first): chr2-96254973-ACTGT-A. GRCh37 (hg19) VCF-style: chr2-96920711-ACTGT-A.
Other names: c.265_268delACAG (NM_017849.3); c.265_268del (NM_017849.3); c.265_268del, p.Thr89fs (NM_001193304.3); short protein forms T89fs.
Identifiers: ClinVar variation 126966 (VCV000126966.16), dbSNP rs121908822, ClinGen allele CA269746.